The following is an entry in ClinVar:

ClinVar aggregate classification (germline): Uncertain significance (1 of 4 stars; one submission).

Allele frequency attached by ClinVar (database versions not stated): ExAC 0.00001; gnomAD 0.00002; gnomAD exomes 0.00002 and 0.00004; TOPMed 0.00003.
gnomAD v4.1: 63 of 1,613,898 alleles (0.0039%); highest among the groups gnomAD compares: Non-Finnish European, 0.005%; no homozygotes.

Submission:

Labcorp Genetics (formerly Invitae), Labcorp
Classification: Uncertain significance. Last evaluated: 2024-06-20. Review status: criteria provided, single submitter. Criteria: Invitae Variant Classification Sherloc (09022015). Collection method: clinical testing. Allele origin: germline.
Comment: This sequence change replaces arginine, which is basic and polar, with histidine, which is basic and polar, at codon 605 of the PITPNM3 protein (p.Arg605His). This variant is present in population databases (rs760328571, gnomAD 0.003%). This variant has not been reported in the literature in individuals affected with PITPNM3-related conditions. ClinVar contains an entry for this variant (Variation ID: 1024145). An algorithm developed to predict the effect of missense changes on protein structure and function (PolyPhen-2) suggests that this variant is likely to be tolerated. In summary, the available evidence is currently insufficient to determine the role of this variant in disease. Therefore, it has been classified as a Variant of Uncertain Significance.

NM_031220.4(PITPNM3):c.1814G>A (p.Arg605His)

Gene: PITPNM3 (PITPNM family member 3; minus strand). Cytogenetic location: 17p13.2.
Variant type: single nucleotide variant.
Coding change: c.1814G>A on transcript NM_031220.4 (MANE Select); coding-DNA position 1814, G replaced by A.
Protein change: p.Arg605His; replaces arginine 605 with histidine.
Molecular consequence: missense variant.
Genome position (GRCh38, 1-based): chr17:6,468,301, C>T on the plus strand (G>A on the coding strand, the complement: PITPNM3 is on the minus strand). VCF-style: chr17-6468301-C-T. GRCh37 (hg19) VCF-style: chr17-6371621-C-T.
Other names: c.1706G>A, p.Arg569His (NM_001165966.2); short protein forms R569H, R605H.
Identifiers: ClinVar variation 1024145 (VCV001024145.8), dbSNP rs760328571, ClinGen allele CA8329371.